The following is an entry in ClinVar:

NC_000007.14:g.(?_33095234)_(33146364_?)dup

Genes: BBS9 (Bardet-Biedl syndrome 9; plus strand), RP9 (RP9 pre-mRNA splicing factor; minus strand). Cytogenetic location: 7p14.3.
Variant type: Duplication.
Identifiers: ClinVar variation 832793 (VCV000832793.1).

ClinVar aggregate classification (germline): Uncertain significance (1 of 4 stars; one submission).

Conditions:
Bardet-Biedl syndrome (BBS). Identifiers: Orphanet 110, MedGen C0752166, MONDO:0015229.

Submission:

Labcorp Genetics (formerly Invitae), Labcorp
Classification: Uncertain significance for Bardet-Biedl syndrome. Last evaluated: 2019-12-31. Review status: criteria provided, single submitter. Criteria: Invitae Variant Classification Sherloc (09022015). Collection method: clinical testing. Allele origin: germline.
Comment: This variant results in a copy number gain of the genomic region encompassing exons 1-2 of the BBS9 gene, which includes the initiator codon. The 5' end of this event is unknown as it extends beyond the assayed region for this gene and therefore may encompass additional genes. The 3' boundary is likely confined to intron 2 of the BBS9 gene. As the precise location of this event is unknown, it may be in tandem or it may be located elsewhere in the genome. This variant has not been reported in the literature in individuals with BBS9-related conditions. In summary, the available evidence is currently insufficient to determine the role of this variant in disease. Therefore, it has been classified as a Variant of Uncertain Significance.